The following is an entry in ClinVar:

NC_000005.9:g.(?_13844936)_(13845112_?)del

Gene: DNAH5 (dynein axonemal heavy chain 5; minus strand). Cytogenetic location: 5p15.2.
Variant type: Deletion.
Identifiers: ClinVar variation 1069562 (VCV001069562.13).

ClinVar aggregate classification (germline): Pathogenic (1 of 4 stars; one submission).

Conditions:
Primary ciliary dyskinesia. Also called: Ciliary dyskinesia. Identifiers: Orphanet 244, MedGen C0008780, MONDO:0016575, HP:0012265.

Submission:

Labcorp Genetics (formerly Invitae), Labcorp
Classification: Pathogenic for Primary ciliary dyskinesia. Last evaluated: 2020-02-04. Review status: criteria provided, single submitter. Criteria: Invitae Variant Classification Sherloc (09022015). Collection method: clinical testing. Allele origin: germline.
Comment: For these reasons, this variant has been classified as Pathogenic. Loss-of-function variants in DNAH5 are known to be pathogenic (PMID: 11788826, 16627867). This variant has not been reported in the literature in individuals with DNAH5-related conditions. This variant is an out-of-frame deletion of the genomic region encompassing exon 32 of the DNAH5 gene. This is expected to create a premature translational stop signal and result in an absent or disrupted protein product.

Literature cited by the submitters: PubMed 11788826; PubMed 16627867.